The following is an entry in ClinVar:

NM_000135.4(FANCA):c.1078C>T (p.Arg360Cys)

Gene: FANCA (FA complementation group A; minus strand). Cytogenetic location: 16q24.3.
Variant type: single nucleotide variant.
Coding change: c.1078C>T on transcript NM_000135.4 (MANE Select); coding-DNA position 1078, C replaced by T.
Protein change: p.Arg360Cys; replaces arginine 360 with cysteine.
Molecular consequence: missense variant.
Genome position (GRCh38, 1-based): chr16:89,792,476, G>A on the plus strand (C>T on the coding strand, the complement: FANCA is on the minus strand). VCF-style: chr16-89792476-G-A. GRCh37 (hg19) VCF-style: chr16-89858884-G-A.
Other names: c.1078C>T, p.Arg360Cys (NM_001286167.3); c.1078C>T (NM_000135.3); short protein forms R360C.
Identifiers: ClinVar variation 849006 (VCV000849006.13), dbSNP rs375895456, ClinGen allele CA8252543.
Genomic context (GRCh38, chr16:89,792,476, plus strand): 5'-ATCTTAATCCCCCCGCCACGAGCTCAGAAGCAGGTATAATACCACATCCACTCACCCTGC[G>A]GTACAGTGAGGTGAGCAGAGGGTGTGTCCGCGCAAAGCTCCACTCTCTCTGCATCTGAAC-3'
Protein context (NP_000126.2, residues 350-370): RTHPLLTSLY[Arg360Cys]RLFVMLSAEE

ClinVar aggregate classification (germline): Conflicting classifications of pathogenicity. Review status: criteria provided, conflicting classifications (1 of 4 stars). 3 submissions from 3 submitters: Uncertain significance (1); Likely benign (1). 1 of the submissions does not count toward it. Last evaluated 2026-01-15.

Conditions:
Fanconi anemia (FA). Also called: Fanconi's anemia. Identifiers: Orphanet 84, MedGen C0015625, MeSH D005199, MONDO:0019391.

Allele frequency attached by ClinVar (database versions not stated): gnomAD 0.00001; ExAC 0.00002.
gnomAD v4.1: 48 of 1,612,952 alleles (0.003%); highest among the groups gnomAD compares: African/African-American, 0.0053%; no homozygotes.

Submissions (3):

Labcorp Genetics (formerly Invitae), Labcorp
Classification: Likely benign for Fanconi anemia. Last evaluated: 2026-01-15. Review status: criteria provided, single submitter. Criteria: Invitae Variant Classification Sherloc (09022015). Collection method: clinical testing. Allele origin: germline.

Quest Diagnostics Nichols Institute San Juan Capistrano
Classification: Uncertain significance. Last evaluated: 2023-01-05. Review status: criteria provided, single submitter. Criteria: Quest Diagnostics criteria. Collection method: clinical testing. Allele origin: unknown.
Comment: The frequency of this variant in the general population, 0.000018 (5/280386 chromosomes), is uninformative in assessment of its pathogenicity. In the published literature, the variant has been reported in healthy individuals (PMIDs: 29641532 (2018) and 32546565 (2021)). Analysis of this variant using bioinformatics tools for the prediction of the effect of amino acid changes on protein structure and function yielded predictions that this variant is benign. Based on the available information, we are unable to determine the clinical significance of this variant.

Natera, Inc.
Classification: Uncertain significance for Fanconi anemia. Last evaluated: 2020-10-05. Review status: no assertion criteria provided. Collection method: clinical testing. Allele origin: germline. Not counted in ClinVar's aggregate classification.

Literature cited by the submitters: PubMed 29641532 (cited by Quest Diagnostics Nichols Institute San Juan Capistrano); PubMed 32546565 (cited by Quest Diagnostics Nichols Institute San Juan Capistrano).